The following is an entry in ClinVar:

ClinVar aggregate classification (germline): Likely benign (1 of 4 stars; one submission).

Allele frequency attached by ClinVar (database versions not stated): 1000 Genomes Project 30x 0.00021; ExAC 0.00078.

Submission:

CeGaT Center for Human Genetics Tuebingen
Classification: Likely benign. Last evaluated: 2023-04-01. Review status: criteria provided, single submitter. Criteria: CeGaT Center For Human Genetics Tuebingen Variant Classification Criteria Version 2. Collection method: clinical testing. Allele origin: germline. Affected: yes. Observed: 1 variant allele.
Comment: SPANXD: BP4, BS2

NM_032417.4(SPANXD):c.57C>T (p.Asn19=)

Gene: SPANXD (SPANX family member D; minus strand). Cytogenetic location: Xq27.2.
Variant type: single nucleotide variant.
Coding change: c.57C>T on transcript NM_032417.4 (MANE Select); coding-DNA position 57, C replaced by T.
Protein change: p.Asn19=; no amino-acid change (asparagine 19 retained).
Molecular consequence: synonymous variant.
Genome position (GRCh38, 1-based): chrX:141,698,349, G>A on the plus strand (C>T on the coding strand, the complement: SPANXD is on the minus strand). VCF-style: chrX-141698349-G-A. GRCh37 (hg19) VCF-style: chrX-140786506-G-A.
Identifiers: ClinVar variation 2661549 (VCV002661549.24), dbSNP rs781918515, ClinGen allele CA10532387.